The following is an entry in ClinVar:

ClinVar aggregate classification (germline): Uncertain significance (1 of 4 stars; one submission).

Conditions:
Gorlin syndrome. Also called: Nevoid Basal Cell Carcinoma Syndrome; Basal cell nevus syndrome. Identifiers: Orphanet 377, MedGen C0004779, MONDO:0007187.

Submission:

Labcorp Genetics (formerly Invitae), Labcorp
Classification: Uncertain significance for Gorlin syndrome. Last evaluated: 2024-03-21. Review status: criteria provided, single submitter. Criteria: Invitae Variant Classification Sherloc (09022015). Collection method: clinical testing. Allele origin: germline.
Comment: This sequence change falls in intron 1 of the PTCH1 gene. It does not directly change the encoded amino acid sequence of the PTCH1 protein. This variant is not present in population databases (gnomAD no frequency). This variant has not been reported in the literature in individuals affected with PTCH1-related conditions. Experimental studies and prediction algorithms are not available or were not evaluated, and the effect of this variant on mRNA splicing is currently unknown. In summary, the available evidence is currently insufficient to determine the role of this variant in disease. Therefore, it has been classified as a Variant of Uncertain Significance.

NM_000264.5(PTCH1):c.202-34_202-18dup

Genes: PTCH1 (patched 1; minus strand), LOC130002132 (ATAC-STARR-seq lymphoblastoid silent region 20069; plus strand). Cytogenetic location: 9q22.32.
Variant type: Duplication.
Coding change: c.202-34_202-18dup on transcript NM_000264.5 (MANE Select); 34 bases into the intron before coding-DNA position 202 through 18 bases into the intron before coding-DNA position 202, 17 bases duplicated (CGGCGCTCACTCCTCCC).
Molecular consequence: intron variant.
Genome position (GRCh38, 1-based): chr9:95,506,617-95,506,633, GGGAGGAGTGAGCGCCG duplicated on the plus strand (CGGCGCTCACTCCTCCC on the coding strand, the reverse complement: PTCH1 is on the minus strand); duplicating any 17 consecutive bases within chr9:95,506,617-95,506,638 gives the same sequence; the c. name uses the placement nearest the transcript's 3' end. VCF-style (leftmost placement, unchanged base first): chr9-95506616-A-AGGGAGGAGTGAGCGCCG. GRCh37 (hg19) VCF-style: chr9-98268898-A-AGGGAGGAGTGAGCGCCG.
Other names: c.199-34_199-18dup (NM_001083603.3); c.4-34_4-18dup (NM_001083602.3, NM_001354919.2); c.202-34_202-18dup (NM_001354918.2); c.-252-34_-252-18dup (NM_001083605.3, NM_001083604.3, NM_001083606.3 and 1 more transcripts).
Identifiers: ClinVar variation 3646319 (VCV003646319.2).